The following is an entry in ClinVar:

ClinVar aggregate classification (germline): Pathogenic (1 of 4 stars; one submission).

Conditions:
Fetal akinesia deformation sequence 1 (FADS1). Also called: Pena-Shokeir syndrome type I; Fetal akinesia sequence. Identifiers: Orphanet 994, MedGen C1276035, MONDO:0100101, OMIM 208150, HP:0001989.
Congenital myasthenic syndrome 10. Also called: Myasthenia, limb-girdle, familial. Identifiers: Orphanet 590, MedGen C1850792, MONDO:0009690, OMIM 254300.

Allele frequency attached by ClinVar (database versions not stated): gnomAD exomes below 0.00001.

Submission:

Labcorp Genetics (formerly Invitae), Labcorp
Classification: Pathogenic for Congenital myasthenic syndrome 10; Fetal akinesia deformation sequence 1. Last evaluated: 2023-08-16. Review status: criteria provided, single submitter. Criteria: Invitae Variant Classification Sherloc (09022015). Collection method: clinical testing. Allele origin: germline.
Comment: This sequence change creates a premature translational stop signal (p.Trp284*) in the DOK7 gene. While this is not anticipated to result in nonsense mediated decay, it is expected to disrupt the last 221 amino acid(s) of the DOK7 protein. This variant is not present in population databases (gnomAD no frequency). This variant has not been reported in the literature in individuals affected with DOK7-related conditions. This variant disrupts a region of the DOK7 protein in which other variant(s) (p.Pro486Argfs*15) have been determined to be pathogenic (PMID: 29118959). This suggests that this is a clinically significant region of the protein, and that variants that disrupt it are likely to be disease-causing. For these reasons, this variant has been classified as Pathogenic.

Literature cited by the submitters: PubMed 29118959.

NM_173660.5(DOK7):c.852G>A (p.Trp284Ter)

Gene: DOK7 (docking protein 7; plus strand). Cytogenetic location: 4p16.3.
Variant type: single nucleotide variant.
Coding change: c.852G>A on transcript NM_173660.5 (MANE Select); coding-DNA position 852, G replaced by A.
Protein change: p.Trp284Ter; replaces tryptophan 284 with a stop codon.
Molecular consequence: nonsense. On other transcripts: 3 prime UTR variant (1), 5 prime UTR variant (1).
Genome position (GRCh38, 1-based): chr4:3,492,838, G>A. VCF-style: chr4-3492838-G-A. GRCh37 (hg19) VCF-style: chr4-3494565-G-A.
Other names: c.*73G>A (NM_001164673.2); c.-79G>A (NM_001256896.2); c.852G>A, p.Trp284Ter (NM_001301071.2); c.420G>A, p.Trp140Ter (NM_001363811.2); short protein forms W140*, W284*.
Identifiers: ClinVar variation 2950988 (VCV002950988.3), dbSNP rs2475110229, ClinGen allele CA356116090.